The following is an entry in ClinVar:

ClinVar aggregate classification (germline): Likely benign. Review status: criteria provided, multiple submitters, no conflicts (2 of 4 stars). 2 submissions from 2 submitters: Likely benign (2). Last evaluated 2023-08-17.

Conditions:
Hypertrophic cardiomyopathy. Also called: HYPERTROPHIC MYOCARDIOPATHY. Identifiers: Orphanet 217569, MedGen C0007194, MeSH D002312, MONDO:0005045, HP:0001639.

Allele frequency attached by ClinVar (database versions not stated): gnomAD exomes below 0.00001.
gnomAD v4.1: 1 of 1,614,164 alleles (0.000062%); highest among the groups gnomAD compares: Non-Finnish European, 0.000085%; no homozygotes.

Submissions (2):

Labcorp Genetics (formerly Invitae), Labcorp
Classification: Likely benign for Hypertrophic cardiomyopathy. Last evaluated: 2023-08-17. Review status: criteria provided, single submitter. Criteria: Invitae Variant Classification Sherloc (09022015). Collection method: clinical testing. Allele origin: germline.

All of Us Research Program, National Institutes of Health
Classification: Likely benign for Hypertrophic cardiomyopathy. Last evaluated: 2023-05-30. Review status: criteria provided, single submitter. Criteria: ACMG Guidelines, 2015. Collection method: clinical testing. Allele origin: germline. Inheritance: Autosomal dominant inheritance. Observed: 1 variant allele, 1 heterozygote.
Comment: This study involves interpretation of variants in research participants for the purpose of population health screening. Participant phenotype was not available at the time of variant classification. Additional details can be found in publication PMID: 35346344, PMCID: PMC8962531

NM_001018005.2(TPM1):c.703-8C>T

Gene: TPM1 (tropomyosin 1; plus strand). Cytogenetic location: 15q22.2.
Variant type: single nucleotide variant.
Coding change: c.703-8C>T on transcript NM_001018005.2 (MANE Select); 8 bases into the intron before coding-DNA position 703, C replaced by T.
Molecular consequence: intron variant.
Genome position (GRCh38, 1-based): chr15:63,062,568, C>T. VCF-style: chr15-63062568-C-T. GRCh37 (hg19) VCF-style: chr15-63354767-C-T.
Other names: c.829-8C>T (NM_001365778.1, NM_001407323.1, NM_001407322.1 and 1 more transcripts); c.703-8C>T (NM_001407336.1, NM_001018020.2, NM_001407338.1 and 20 more transcripts); c.595-8C>T (NM_001330351.2, NM_001330344.2, NM_001018008.2 and 9 more transcripts).
Identifiers: ClinVar variation 3000074 (VCV003000074.4), dbSNP rs2035786670, ClinGen allele CA2628847084.